The following is an entry in ClinVar:

ClinVar aggregate classification (germline): Uncertain significance (1 of 4 stars; one submission).

gnomAD v4.1: 5 of 1,614,008 alleles (0.00031%); highest among the groups gnomAD compares: Non-Finnish European, 0.00042%; no homozygotes.

Submission:

GeneDx
Classification: Uncertain significance. Last evaluated: 2024-07-10. Review status: criteria provided, single submitter. Criteria: GeneDx Variant Classification Process June 2021. Collection method: clinical testing. Allele origin: germline. Affected: yes.
Comment: Not observed at significant frequency in large population cohorts (gnomAD); In silico analysis indicates that this missense variant does not alter protein structure/function; Has not been previously published as pathogenic or benign to our knowledge

NM_014208.3(DSPP):c.850G>A (p.Asp284Asn)

Genes: DMP1-AS1 (DMP1 and DSPP antisense RNA 1; minus strand), DSPP (dentin sialophosphoprotein; plus strand). Cytogenetic location: 4q22.1.
Variant type: single nucleotide variant.
Coding change: c.850G>A on transcript NM_014208.3 (MANE Select); coding-DNA position 850, G replaced by A.
Protein change: p.Asp284Asn; replaces aspartic acid 284 with asparagine.
Molecular consequence: missense variant.
Genome position (GRCh38, 1-based): chr4:87,613,036, G>A. VCF-style: chr4-87613036-G-A. GRCh37 (hg19) VCF-style: chr4-88534188-G-A.
Other names: short protein forms D284N.
Identifiers: ClinVar variation 3572591 (VCV003572591.1).